The following is an entry in ClinVar:

ClinVar aggregate classification (germline): Pathogenic (1 of 4 stars; one submission).

Submission:

Labcorp Genetics (formerly Invitae), Labcorp
Classification: Pathogenic. Last evaluated: 2025-11-17. Review status: criteria provided, single submitter. Criteria: Invitae Variant Classification Sherloc (09022015). Collection method: clinical testing. Allele origin: germline.
Comment: This sequence change creates a premature translational stop signal (p.Gln95*) in the EXOSC9 gene. It is expected to result in an absent or disrupted protein product. Loss-of-function variants in EXOSC9 are known to be pathogenic (PMID: 29727687, 33040083). This variant is not present in population databases (gnomAD no frequency). This variant has not been reported in the literature in individuals affected with EXOSC9-related conditions. ClinVar contains an entry for this variant (Variation ID: 2778095). For these reasons, this variant has been classified as Pathogenic.

Literature cited by the submitters: PubMed 29727687; PubMed 33040083.

NM_005033.3(EXOSC9):c.283C>T (p.Gln95Ter)

Gene: EXOSC9 (exosome component 9; plus strand). Cytogenetic location: 4q27.
Variant type: single nucleotide variant.
Coding change: c.283C>T on transcript NM_005033.3 (MANE Select); coding-DNA position 283, C replaced by T.
Protein change: p.Gln95Ter; replaces glutamine 95 with a stop codon.
Molecular consequence: nonsense.
Genome position (GRCh38, 1-based): chr4:121,802,916, C>T. VCF-style: chr4-121802916-C-T. GRCh37 (hg19) VCF-style: chr4-122724071-C-T.
Other names: c.283C>T, p.Gln95Ter (NM_001034194.2); short protein forms Q95*.
Identifiers: ClinVar variation 2778095 (VCV002778095.3), dbSNP rs2476761119, ClinGen allele CA358042094.
Genomic context (GRCh38, chr4:121,802,916, plus strand): 5'-GTTTTAATACCTGGTGTTATATTTCATGACATTAGCCCATTCCTATTTTCTCCTTATAGG[C>T]AGTCAGATCTCTTGGTGAAGTTGAATCGACTCATGGAAAGATGTCTAAGAAATTCGAAGT-3'